The following is an entry in ClinVar:

NM_016156.6(MTMR2):c.1299C>T (p.Leu433=)

Gene: MTMR2 (myotubularin related protein 2; minus strand). Cytogenetic location: 11q21.
Variant type: single nucleotide variant.
Coding change: c.1299C>T on transcript NM_016156.6 (MANE Select); coding-DNA position 1299, C replaced by T.
Protein change: p.Leu433=; no amino-acid change (leucine 433 retained).
Molecular consequence: synonymous variant.
Genome position (GRCh38, 1-based): chr11:95,845,040, G>A on the plus strand (C>T on the coding strand, the complement: MTMR2 is on the minus strand). VCF-style: chr11-95845040-G-A. GRCh37 (hg19) VCF-style: chr11-95578204-G-A.
Other names: c.1083C>T, p.Leu361= (NM_001243571.2, NM_201278.3, NM_201281.3).
Identifiers: ClinVar variation 2158914 (VCV002158914.10), dbSNP rs753138775, ClinGen allele CA6240034.

ClinVar aggregate classification (germline): Likely benign. Review status: criteria provided, multiple submitters, no conflicts (2 of 4 stars). 2 submissions from 2 submitters: Likely benign (2). Last evaluated 2025-11-01.

Conditions:
Charcot-Marie-Tooth disease type 4. Also called: Charcot-Marie-Tooth disease, type IV; Charcot-Marie-Tooth, Type 4. Identifiers: Orphanet 64749, MedGen C4082197, MONDO:0018995.

Allele frequency attached by ClinVar (database versions not stated): ExAC 0.00001; gnomAD 0.00001; gnomAD exomes 0.00001; TOPMed 0.00001.
gnomAD v4.1: 6 of 1,613,796 alleles (0.00037%); highest among the groups gnomAD compares: Admixed American, 0.0067%; no homozygotes.

Submissions (2):

CeGaT Center for Human Genetics Tuebingen
Classification: Likely benign. Last evaluated: 2025-11-01. Review status: criteria provided, single submitter. Criteria: CeGaT Center For Human Genetics Tuebingen Variant Classification Criteria Version 2. Collection method: clinical testing. Allele origin: germline. Affected: yes. Observed: 1 variant allele.
Comment: MTMR2: BP4, BP7

Labcorp Genetics (formerly Invitae), Labcorp
Classification: Likely benign for Charcot-Marie-Tooth disease type 4. Last evaluated: 2022-09-24. Review status: criteria provided, single submitter. Criteria: Invitae Variant Classification Sherloc (09022015). Collection method: clinical testing. Allele origin: germline.